The following is an entry in ClinVar:

NM_004523.4(KIF11):c.699-1G>C

Gene: KIF11 (kinesin family member 11; plus strand). Cytogenetic location: 10q23.33.
Variant type: single nucleotide variant.
Coding change: c.699-1G>C on transcript NM_004523.4 (MANE Select); the canonical splice acceptor site of the intron before coding-DNA position 699, G replaced by C.
Molecular consequence: splice acceptor variant.
Genome position (GRCh38, 1-based): chr10:92,613,039, G>C. VCF-style: chr10-92613039-G-C. GRCh37 (hg19) VCF-style: chr10-94372796-G-C.
Identifiers: ClinVar variation 1699266 (VCV001699266.3), dbSNP rs2135904871, ClinGen allele CA377589957.

ClinVar aggregate classification (germline): Likely pathogenic (1 of 4 stars; one submission).

Conditions:
Microcephaly with or without chorioretinopathy, lymphedema, or impaired intellectual development. Also called: MICROCEPHALY AND CHORIORETINOPATHY WITH OR WITHOUT MENTAL RETARDATION, AUTOSOMAL DOMINANT; MICROCEPHALY, LYMPHEDEMA, CHORIORETINAL DYSPLASIA SYNDROME; Microcephaly with or without chorioretinopathy, lymphedema, or intellectual disability; Microcephaly with or without chorioretinopathy, lymphedema, or mental retardation; Microcephaly lymphedema chorioretinal dysplasia. Identifiers: Orphanet 2526, MedGen C1835265, MONDO:0007918, OMIM 152950.

Submission:

Victorian Clinical Genetics Services, Murdoch Childrens Research Institute
Classification: Likely pathogenic for Microcephaly with or without chorioretinopathy, lymphedema, or impaired intellectual development. Last evaluated: 2022-02-02. Review status: criteria provided, single submitter. Criteria: ACMG Guidelines, 2015. Collection method: clinical testing. Allele origin: germline. Inheritance: Autosomal dominant inheritance. Affected: yes.
Comment: Based on the classification scheme VCGS_Germline_v1.3.4, this variant is classified as Likely Pathogenic. Following criteria are met: 0102 - Loss of function is a known mechanism of disease in this gene and is associated with microcephaly with or without chorioretinopathy, lymphedema or intellectual disability (MIM#152950). (I) 0107 - This gene is associated with autosomal dominant disease. (I) 0112 - The condition associated with this gene has incomplete penetrance (PMID: 24281367). (I) 0115 - Variants in this gene are known to have variable expressivity. Patients’ learning difficulties have been described to be within the mild-moderate range (PMID: 24281367). (I) 0211 - Canonical splice site variant without proven consequence on splicing (no functional evidence available). (SP) 0251 - This variant is heterozygous. (I) 0301 - Variant is absent from gnomAD (both v2 and v3). (SP) 0508 - In silico predictions for abnormal splicing are conflicting. (I) 0704 - Another splice site variant comparable to the one identified in this case has limited previous evidence for pathogenicity. A de novo variant, c.699-2A>G, has been identified in a patient with microcephaly with or without chorioretinopathy, lymphedema or intellectual disability (MIM#152950; PMID: 22284827). (SP) 0807 - This variant has no previous evidence of pathogenicity. (I) 0905 - No published segregation evidence has been identified for this variant. (I) 1007 - No published functional evidence has been identified for this variant. (I) 1101 - Very strong and specific phenotype match for this individual. (SP) 1208 - Inheritance information for this variant is not currently available in this individual. (I) Legend: (SP) - Supporting pathogenic, (I) - Information, (SB) - Supporting benign

Literature cited by the submitters: PubMed 22284827; PubMed 24281367.